The following is an entry in ClinVar:

NM_005591.4(MRE11):c.526A>T (p.Ile176Phe)

Gene: MRE11 (MRE11 double strand break repair nuclease; minus strand). Cytogenetic location: 11q21.
Variant type: single nucleotide variant.
Coding change: c.526A>T on transcript NM_005591.4 (MANE Select); coding-DNA position 526, A replaced by T.
Protein change: p.Ile176Phe; replaces isoleucine 176 with phenylalanine.
Molecular consequence: missense variant.
Genome position (GRCh38, 1-based): chr11:94,478,753, T>A on the plus strand (A>T on the coding strand, the complement: MRE11 is on the minus strand). VCF-style: chr11-94478753-T-A. GRCh37 (hg19) VCF-style: chr11-94211919-T-A.
Other names: c.526A>T, p.Ile176Phe (NM_001330347.2, NM_005590.4); short protein forms I176F.
Identifiers: ClinVar variation 2451376 (VCV002451376.2), dbSNP rs587781676, ClinGen allele CA6235380.

ClinVar aggregate classification (germline): Uncertain significance (1 of 4 stars; one submission).

Conditions:
Hereditary cancer-predisposing syndrome. Also called: Neoplastic Syndromes, Hereditary; Tumor predisposition; Hereditary neoplastic syndrome; Hereditary Cancer Syndrome. Identifiers: Orphanet 140162, MedGen C0027672, MeSH D009386, MONDO:0015356.

Allele frequency attached by ClinVar (database versions not stated): ExAC 0.00001.
gnomAD v4.1: 3 of 1,612,874 alleles (0.00019%); highest among the groups gnomAD compares: East Asian, 0.0022%; no homozygotes.

Submission:

Ambry Genetics
Classification: Uncertain significance for Hereditary cancer-predisposing syndrome. Last evaluated: 2023-02-25. Review status: criteria provided, single submitter. Criteria: Ambry Variant Classification Scheme 2023. Collection method: clinical testing. Allele origin: germline.
Comment: The p.I176F variant (also known as c.526A>T), located in coding exon 5 of the MRE11A gene, results from an A to T substitution at nucleotide position 526. The isoleucine at codon 176 is replaced by phenylalanine, an amino acid with highly similar properties. This amino acid position is conserved. In addition, the in silico prediction for this alteration is inconclusive. Since supporting evidence is limited at this time, the clinical significance of this alteration remains unclear.